The following is an entry in ClinVar:

NM_017617.5(NOTCH1):c.32T>G (p.Leu11Arg)

Genes: NOTCH1 (notch receptor 1; minus strand), LOC130003020 (ATAC-STARR-seq lymphoblastoid silent region 20528; plus strand). Cytogenetic location: 9q34.3.
Variant type: single nucleotide variant.
Coding change: c.32T>G on transcript NM_017617.5 (MANE Select); coding-DNA position 32, T replaced by G.
Protein change: p.Leu11Arg; replaces leucine 11 with arginine.
Molecular consequence: missense variant.
Genome position (GRCh38, 1-based): chr9:136,545,755, A>C on the plus strand (T>G on the coding strand, the complement: NOTCH1 is on the minus strand). VCF-style: chr9-136545755-A-C. GRCh37 (hg19) VCF-style: chr9-139440207-A-C.
Other names: short protein forms L11R.
Identifiers: ClinVar variation 1304226 (VCV001304226.2), dbSNP rs2133408615, ClinGen allele CA375579841.
Genomic context (GRCh38, chr9:136,545,755, plus strand): 5'-AGTGGGGGCTCGCGGGTGGGTGGGCGCCTACCTCGTGCGGCGAGCGCGGGCAGCAGCGCC[A>C]GGCAGAGCAGGGGCGCCAGGAGCGGCGGCATGCCTCCCCACCGGCTGCCCTCTGCGCCCG-3'
Protein context (NP_060087.3, residues 1-21): MPPLLAPLLC[Leu11Arg]ALLPALAARG

ClinVar aggregate classification (germline): Uncertain significance (1 of 4 stars; one submission).

Submission:

GeneDx
Classification: Uncertain significance. Last evaluated: 2018-10-04. Review status: criteria provided, single submitter. Criteria: GeneDx Variant Classification Process June 2021. Collection method: clinical testing. Allele origin: germline. Affected: yes.
Comment: Not observed in large population cohorts (Lek et al., 2016); In silico analysis, which includes protein predictors and evolutionary conservation, supports that this variant does not alter protein structure/function; Has not been previously published as pathogenic or benign to our knowledge